The following is an entry in ClinVar:

ClinVar aggregate classification (germline): Pathogenic (1 of 4 stars; one submission).

Conditions:
Lynch syndrome 5 (LYNCH5). Also called: Colorectal cancer, hereditary nonpolyposis, type 5; Hereditary non-polyposis colorectal cancer, type 5. Identifiers: Orphanet 144, MedGen C1833477, MONDO:0013710, OMIM 614350. Disease mechanism: loss of function.

Submission:

Myriad Genetics, Inc.
Classification: Pathogenic for Lynch syndrome 5. Last evaluated: 2023-08-17. Review status: criteria provided, single submitter. Criteria: Myriad Autosomal Dominant, Autosomal Recessive and X-Linked Classification Criteria (2023). Collection method: clinical testing. Allele origin: unknown.
Comment: This variant is considered pathogenic. This variant creates a frameshift predicted to result in premature protein truncation.

NM_000179.3(MSH6):c.2502_2515del (p.Ser834fs)

Gene: MSH6 (mutS homolog 6; plus strand). Cytogenetic location: 2p16.3.
Variant type: Deletion.
Coding change: c.2502_2515del on transcript NM_000179.3 (MANE Select); coding-DNA positions 2502 to 2515, 14 bases deleted (TCAGAACCACCCAG).
Protein change: p.Ser834fs; shifts the reading frame from serine 834.
Molecular consequence: frameshift variant. On other transcripts: non-coding transcript variant (5), intron variant (3).
Genome position (GRCh38, 1-based): chr2:47,800,485-47,800,498, TCAGAACCACCCAG deleted; deleting any 14 consecutive bases within chr2:47,800,483-47,800,498 gives the same sequence; the c. name uses the placement nearest the transcript's 3' end. VCF-style (leftmost placement, unchanged base first): chr2-47800482-GAGTCAGAACCACCC-G. GRCh37 (hg19) VCF-style: chr2-48027621-GAGTCAGAACCACCC-G.
Other names: c.2112_2125del, p.Ser704fs (NM_001281492.2); c.1596_1609del, p.Ser532fs (NM_001281493.2, NM_001281494.2, NM_001406811.1 and 6 more transcripts); c.2598_2611del, p.Ser866fs (NM_001406795.1, NM_001406802.1); c.2502_2515del, p.Ser834fs (NM_001406796.1, NM_001406798.1, NM_001406800.1 and 2 more transcripts); c.2205_2218del, p.Ser735fs (NM_001406797.1, NM_001406801.1, NM_001406805.1 and 10 more transcripts); c.1977_1990del, p.Ser659fs (NM_001406799.1, NM_001406806.1, NM_001406807.1); c.2424_2437del, p.Ser808fs (NM_001406804.1); c.2508_2521del, p.Ser836fs (NM_001406813.1); and 4 more; short protein forms S532fs, S659fs, S704fs, S735fs, S778fs, S808fs, S834fs, S836fs.
Identifiers: ClinVar variation 2673755 (VCV002673755.1), dbSNP rs2530676308, ClinGen allele CA2695200549.